The following is an entry in ClinVar:

ClinVar aggregate classification (germline): Pathogenic (1 of 4 stars; one submission).

Conditions:
DNA ligase IV deficiency. Identifiers: Orphanet 99812, MedGen C1847827, MONDO:0011686, OMIM 606593.

Submission:

Labcorp Genetics (formerly Invitae), Labcorp
Classification: Pathogenic for DNA ligase IV deficiency. Last evaluated: 2025-06-30. Review status: criteria provided, single submitter. Criteria: Invitae Variant Classification Sherloc (09022015). Collection method: clinical testing. Allele origin: germline.
Comment: This sequence change creates a premature translational stop signal (p.Arg79Asnfs*6) in the LIG4 gene. While this is not anticipated to result in nonsense mediated decay, it is expected to disrupt the last 833 amino acid(s) of the LIG4 protein. This variant is not present in population databases (gnomAD no frequency). This variant has not been reported in the literature in individuals affected with LIG4-related conditions. This variant disrupts a region of the LIG4 protein in which other variant(s) (p.Arg814*) have been determined to be pathogenic (PMID: 11779494, 16088910, 24123394, 25239263, 27063650, 27612988). This suggests that this is a clinically significant region of the protein, and that variants that disrupt it are likely to be disease-causing. For these reasons, this variant has been classified as Pathogenic.

Literature cited by the submitters: PubMed 11779494; PubMed 16088910; PubMed 24123394; PubMed 25239263; PubMed 27063650; PubMed 27612988.

NM_206937.2(LIG4):c.236_237del (p.Arg79fs)

Gene: LIG4 (DNA ligase 4; minus strand). Cytogenetic location: 13q33.3.
Variant type: Microsatellite.
Coding change: c.236_237del on transcript NM_206937.2 (MANE Select); coding-DNA positions 236 to 237, 2 bases deleted (GA; older notation c.236_237delGA).
Protein change: p.Arg79fs; shifts the reading frame from arginine 79.
Molecular consequence: frameshift variant.
Genome position (GRCh38, 1-based): chr13:108,211,032-108,211,033, TC deleted on the plus strand (GA on the coding strand, the reverse complement: LIG4 is on the minus strand); deleting any 2 consecutive bases within chr13:108,211,032-108,211,040 gives the same sequence; the c. name uses the placement nearest the transcript's 3' end. VCF-style (leftmost placement, unchanged base first): chr13-108211031-TTC-T. GRCh37 (hg19) VCF-style: chr13-108863379-TTC-T.
Other names: c.236_237del, p.Arg79fs (NM_001098268.2, NM_001352598.2, NM_001352599.2 and 6 more transcripts); c.35_36del, p.Arg12fs (NM_001330595.2); c.272_273del, p.Arg91fs (NM_001352604.2); short protein forms R91fs, R12fs, R79fs.
Identifiers: ClinVar variation 4719583 (VCV004719583.1).